The following is an entry in ClinVar:

ClinVar aggregate classification (germline): Uncertain significance (1 of 4 stars; one submission).

Conditions:
Kabuki syndrome. Also called: Kabuki make-up syndrome; NIIKAWA-KUROKI SYNDROME. Identifiers: Orphanet 2322, MedGen C0796004, MONDO:0016512.

gnomAD v4.1: 16 of 1,613,570 alleles (0.00099%); highest among the groups gnomAD compares: Non-Finnish European, 0.0014%; no homozygotes.

Submission:

Labcorp Genetics (formerly Invitae), Labcorp
Classification: Uncertain significance for Kabuki syndrome. Last evaluated: 2023-06-11. Review status: criteria provided, single submitter. Criteria: Invitae Variant Classification Sherloc (09022015). Collection method: clinical testing. Allele origin: germline.
Comment: This variant is not present in population databases (gnomAD no frequency). In summary, the available evidence is currently insufficient to determine the role of this variant in disease. Therefore, it has been classified as a Variant of Uncertain Significance. Advanced modeling of protein sequence and biophysical properties (such as structural, functional, and spatial information, amino acid conservation, physicochemical variation, residue mobility, and thermodynamic stability) performed at Invitae indicates that this missense variant is not expected to disrupt KMT2D protein function. This variant has not been reported in the literature in individuals affected with KMT2D-related conditions. This sequence change replaces glycine, which is neutral and non-polar, with valine, which is neutral and non-polar, at codon 3661 of the KMT2D protein (p.Gly3661Val).

NM_003482.4(KMT2D):c.10982G>T (p.Gly3661Val)

Gene: KMT2D (lysine methyltransferase 2D; minus strand). Cytogenetic location: 12q13.12.
Variant type: single nucleotide variant.
Coding change: c.10982G>T on transcript NM_003482.4 (MANE Select); coding-DNA position 10982, G replaced by T.
Protein change: p.Gly3661Val; replaces glycine 3661 with valine.
Molecular consequence: missense variant.
Genome position (GRCh38, 1-based): chr12:49,033,723, C>A on the plus strand (G>T on the coding strand, the complement: KMT2D is on the minus strand). VCF-style: chr12-49033723-C-A. GRCh37 (hg19) VCF-style: chr12-49427506-C-A.
Other names: short protein forms G3661V.
Identifiers: ClinVar variation 2966284 (VCV002966284.3), dbSNP rs765078837, ClinGen allele CA384724499.